The following is an entry in ClinVar:

ClinVar aggregate classification (germline): Likely benign (1 of 4 stars; one submission).

gnomAD v4.1: 1 of 1,613,806 alleles (0.000062%); highest among the groups gnomAD compares: African/African-American, 0.0013%; no homozygotes.

Submission:

CeGaT Center for Human Genetics Tuebingen
Classification: Likely benign. Last evaluated: 2022-10-01. Review status: criteria provided, single submitter. Criteria: CeGaT Center For Human Genetics Tuebingen Variant Classification Criteria Version 2. Collection method: clinical testing. Allele origin: germline. Affected: yes. Observed: 1 variant allele.
Comment: SYNE2: PM2:Supporting, BP4, BP7

NM_182914.3(SYNE2):c.3354G>A (p.Arg1118=)

Gene: SYNE2 (spectrin repeat containing nuclear envelope protein 2; plus strand). Cytogenetic location: 14q23.2.
Variant type: single nucleotide variant.
Coding change: c.3354G>A on transcript NM_182914.3 (MANE Select); coding-DNA position 3354, G replaced by A.
Protein change: p.Arg1118=; no amino-acid change (arginine 1118 retained).
Molecular consequence: synonymous variant.
Genome position (GRCh38, 1-based): chr14:63,998,914, G>A. VCF-style: chr14-63998914-G-A. GRCh37 (hg19) VCF-style: chr14-64465632-G-A.
Other names: c.3354G>A, p.Arg1118= (NM_015180.6).
Identifiers: ClinVar variation 2644283 (VCV002644283.24), dbSNP rs572810840, ClinGen allele CA261844324.